The following is an entry in ClinVar:

NM_001377229.1(DISP1):c.3125T>C (p.Ile1042Thr)

Gene: DISP1 (dispatched RND transporter family member 1; plus strand). Cytogenetic location: 1q41.
Variant type: single nucleotide variant.
Coding change: c.3125T>C on transcript NM_001377229.1 (MANE Select); coding-DNA position 3125, T replaced by C.
Protein change: p.Ile1042Thr; replaces isoleucine 1042 with threonine.
Molecular consequence: missense variant.
Genome position (GRCh38, 1-based): chr1:223,004,522, T>C. VCF-style: chr1-223004522-T-C. GRCh37 (hg19) VCF-style: chr1-223177864-T-C.
Other names: c.2396T>C, p.Ile799Thr (NM_001350630.2); c.3125T>C, p.Ile1042Thr (NM_001369594.1, NM_001377228.1, NM_032890.5); short protein forms I1042T, I799T.
Identifiers: ClinVar variation 2995700 (VCV002995700.3), dbSNP rs1441336617, ClinGen allele CA344685263.

ClinVar aggregate classification (germline): Uncertain significance (1 of 4 stars; one submission).

Allele frequency attached by ClinVar (database versions not stated): gnomAD 0.00001; gnomAD exomes 0.00001; TOPMed 0.00001.
gnomAD v4.1: 7 of 1,614,122 alleles (0.00043%); highest among the groups gnomAD compares: Non-Finnish European, 0.00034%; no homozygotes.

Submission:

Labcorp Genetics (formerly Invitae), Labcorp
Classification: Uncertain significance. Last evaluated: 2024-01-10. Review status: criteria provided, single submitter. Criteria: Invitae Variant Classification Sherloc (09022015). Collection method: clinical testing. Allele origin: germline.
Comment: This sequence change replaces isoleucine, which is neutral and non-polar, with threonine, which is neutral and polar, at codon 1042 of the DISP1 protein (p.Ile1042Thr). This variant is present in population databases (no rsID available, gnomAD 0.03%). This variant has not been reported in the literature in individuals affected with DISP1-related conditions. An algorithm developed to predict the effect of missense changes on protein structure and function (PolyPhen-2) suggests that this variant is likely to be disruptive. In summary, the available evidence is currently insufficient to determine the role of this variant in disease. Therefore, it has been classified as a Variant of Uncertain Significance.